The following is an entry in ClinVar:

ClinVar aggregate classification (germline): Uncertain significance (1 of 4 stars; one submission).

Conditions:
Fanconi anemia complementation group E (FANCE). Also called: FANCE-Related Fanconi Anemia. Identifiers: Orphanet 84, MedGen C3160739, MONDO:0010953, OMIM 600901.

Submission:

Labcorp Genetics (formerly Invitae), Labcorp
Classification: Uncertain significance for Fanconi anemia complementation group E. Last evaluated: 2022-07-19. Review status: criteria provided, single submitter. Criteria: Invitae Variant Classification Sherloc (09022015). Collection method: clinical testing. Allele origin: germline.
Comment: This sequence change replaces aspartic acid, which is acidic and polar, with histidine, which is basic and polar, at codon 130 of the FANCE protein (p.Asp130His). Information on the frequency of this variant in the gnomAD database is not available, as this variant may be reported differently in the database. This variant has not been reported in the literature in individuals affected with FANCE-related conditions. ClinVar contains an entry for this variant (Variation ID: 1477776). Experimental studies and prediction algorithms are not available or were not evaluated, and the functional significance of this variant is currently unknown. In summary, the available evidence is currently insufficient to determine the role of this variant in disease. Therefore, it has been classified as a Variant of Uncertain Significance.

NM_021922.3(FANCE):c.387_388delinsCC (p.Asp130His)

Gene: FANCE (FA complementation group E; plus strand). Cytogenetic location: 6p21.31.
Variant type: Indel.
Coding change: c.387_388delinsCC on transcript NM_021922.3 (MANE Select); coding-DNA positions 387 to 388, AG replaced by CC.
Protein change: p.Asp130His; replaces aspartic acid 130 with histidine.
Molecular consequence: missense variant.
Genome position (GRCh38, 1-based): chr6:35,455,885-35,455,886, AG replaced by CC. VCF-style: chr6-35455885-AG-CC. GRCh37 (hg19) VCF-style: chr6-35423662-AG-CC.
Other names: short protein forms D130H.
Identifiers: ClinVar variation 1477776 (VCV001477776.6), dbSNP rs2150890289, ClinGen allele CA2573140313.